The following is an entry in ClinVar:

NM_000536.4(RAG2):c.303T>A (p.Asn101Lys)

Gene: RAG2 (recombination activating 2; minus strand). Cytogenetic location: 11p12.
Variant type: single nucleotide variant.
Coding change: c.303T>A on transcript NM_000536.4 (MANE Select); coding-DNA position 303, T replaced by A.
Protein change: p.Asn101Lys; replaces asparagine 101 with lysine.
Molecular consequence: missense variant.
Genome position (GRCh38, 1-based): chr11:36,593,866, A>T on the plus strand (T>A on the coding strand, the complement: RAG2 is on the minus strand). VCF-style: chr11-36593866-A-T. GRCh37 (hg19) VCF-style: chr11-36615416-A-T.
Other names: c.303T>A, p.Asn101Lys (NM_001243785.2, NM_001243786.2); short protein forms N101K.
Identifiers: ClinVar variation 2087156 (VCV002087156.7), dbSNP rs2133315445, ClinGen allele CA380143718.

ClinVar aggregate classification (germline): Likely pathogenic. Review status: criteria provided, multiple submitters, no conflicts (2 of 4 stars). 2 submissions from 2 submitters: Likely pathogenic (2). Last evaluated 2025-10-24.

Conditions:
Severe combined immunodeficiency, autosomal recessive, T cell-negative, B cell-negative, NK cell-positive. Also called: SCID, T CELL-NEGATIVE, B CELL-NEGATIVE, NK CELL-POSITIVE; Severe combined immunodeficiency due to complete RAG1/2 deficiency; SCID, AR, T-cell negative, B-cell negative, NK cell-positive. Identifiers: Orphanet 331206, MedGen C1832322, MONDO:0011086, OMIM 601457.
Combined immunodeficiency with skin granulomas. Identifiers: Orphanet 157949, MedGen C2673536, MONDO:0009306, OMIM 233650.
Severe combined immunodeficiency disease. Also called: Severe combined immunodeficiency; Severe Combined Immune Deficiency. Identifiers: Orphanet 183660, MedGen C0085110, MeSH D016511, MONDO:0015974, HP:0004430. Inheritance: X-Linked or Autosomal recessive.

Allele frequency attached by ClinVar (database versions not stated): gnomAD exomes below 0.00001.

Submissions (2):

Women's Health and Genetics/Laboratory Corporation of America, LabCorp
Classification: Likely pathogenic for Severe combined immunodeficiency disease. Last evaluated: 2025-10-24. Review status: criteria provided, single submitter. Criteria: LabCorp Variant Classification Summary - May 2015. Collection method: clinical testing. Allele origin: germline.
Comment: Variant summary: RAG2 c.303T>A (p.Asn101Lys) results in a non-conservative amino acid change in the encoded protein sequence. Algorithms developed to predict the effect of missense changes on protein structure and function all suggest that this variant is likely to be disruptive. The variant was absent in 251442 control chromosomes. The available data on variant occurrences in the general population are insufficient to allow any conclusion about variant significance. c.303T>A has been observed in one individual affected with features of Severe Combined Immunodeficiency (Vignesh_2021, internal data). These data suggests that this variant may be associated with disease. To our knowledge, no experimental evidence demonstrating an impact on protein function has been reported. The following publication have been ascertained in the context of this evaluation (PMID: 33628209). ClinVar contains an entry for this variant (Variation ID: 2087156). Based on the evidence outlined above, the variant was classified as likely pathogenic.

Labcorp Genetics (formerly Invitae), Labcorp
Classification: Likely pathogenic for Combined immunodeficiency with skin granulomas; Severe combined immunodeficiency, autosomal recessive, T cell-negative, B cell-negative, NK cell-positive. Last evaluated: 2022-01-17. Review status: criteria provided, single submitter. Criteria: Invitae Variant Classification Sherloc (09022015). Collection method: clinical testing. Allele origin: germline.
Comment: In summary, the currently available evidence indicates that the variant is pathogenic, but additional data are needed to prove that conclusively. Therefore, this variant has been classified as Likely Pathogenic. Algorithms developed to predict the effect of missense changes on protein structure and function are either unavailable or do not agree on the potential impact of this missense change (SIFT: "Deleterious"; PolyPhen-2: "Probably Damaging"; Align-GVGD: "Class C0"). This missense change has been observed in individual(s) with severe combined immunodeficiency (PMID: 33628209; Invitae). In at least one individual the data is consistent with being in trans (on the opposite chromosome) from a pathogenic variant. This variant is not present in population databases (gnomAD no frequency). This sequence change replaces asparagine, which is neutral and polar, with lysine, which is basic and polar, at codon 101 of the RAG2 protein (p.Asn101Lys).

Literature cited by the submitters: PubMed 33628209 (cited by Women's Health and Genetics/Laboratory Corporation of America, LabCorp and Labcorp Genetics (formerly Invitae), Labcorp).